The following is an entry in ClinVar:

NM_001352913.2(PPP2R5C):c.20A>G (p.Lys7Arg)

Gene: PPP2R5C (protein phosphatase 2 regulatory subunit B'gamma; plus strand). Cytogenetic location: 14q32.31.
Variant type: single nucleotide variant.
Coding change: c.20A>G on transcript NM_001352913.2 (MANE Select); coding-DNA position 20, A replaced by G.
Protein change: p.Lys7Arg; replaces lysine 7 with arginine.
Molecular consequence: missense variant. On other transcripts: intron variant (1).
Genome position (GRCh38, 1-based): chr14:101,761,913, A>G. VCF-style: chr14-101761913-A-G. GRCh37 (hg19) VCF-style: chr14-102228250-A-G.
Other names: c.20A>G, p.Lys7Arg (NM_001161725.2, NM_001161726.2); c.43-992A>G (NM_001352914.2); short protein forms K7R.
Identifiers: ClinVar variation 4819555 (VCV004819555.1).

ClinVar aggregate classification (germline): Likely benign (1 of 4 stars; one submission).

Conditions:
Houge-Janssens syndrome 4. Identifiers: MedGen C6012718, MONDO:0978293, OMIM 621185.

Submission:

Centre for Medical Genetics,  Mumbai
Classification: Likely benign for Houge-Janssens syndrome 4. Last evaluated: 2026-03-15. Review status: criteria provided, single submitter. Criteria: ACMG Guidelines, 2015. Collection method: provider interpretation. Allele origin: germline. Inheritance: Autosomal dominant inheritance. Affected: no. Observed: 1 variant allele, 1 heterozygote.
Comment: The variant satisfies PM2 criteria; Extremely low frequency in gnomAD population databases. The variant satisfies BP4 criteria; For a missense or a splice region variant, computational prediction tools unanimously support a benign effect on the gene. However, the variant satisfies BS2 criteria.

Literature cited by the submitters: PubMed 25972378.